The following is an entry in ClinVar:

ClinVar aggregate classification (germline): Uncertain significance (1 of 4 stars; one submission).

Conditions:
Succinate-semialdehyde dehydrogenase deficiency (SSADHD). Also called: GABA METABOLIC DEFECT; SSADH DEFICIENCY; 4-HYDROXYBUTYRIC ACIDURIA; Succinic Semialdehyde Dehydrogenase Deficiency. Identifiers: Orphanet 22, MedGen C0268631, MONDO:0010083, OMIM 271980.

Allele frequency attached by ClinVar (database versions not stated): TOPMed below 0.00001; gnomAD exomes 0.00002.
gnomAD v4.1: 22 of 1,532,564 alleles (0.0014%); highest among the groups gnomAD compares: Non-Finnish European, 0.0017%; no homozygotes.

Submission:

Labcorp Genetics (formerly Invitae), Labcorp
Classification: Uncertain significance for Succinate-semialdehyde dehydrogenase deficiency. Last evaluated: 2023-05-23. Review status: criteria provided, single submitter. Criteria: Invitae Variant Classification Sherloc (09022015). Collection method: clinical testing. Allele origin: germline.
Comment: In summary, the available evidence is currently insufficient to determine the role of this variant in disease. Therefore, it has been classified as a Variant of Uncertain Significance. Advanced modeling of protein sequence and biophysical properties (such as structural, functional, and spatial information, amino acid conservation, physicochemical variation, residue mobility, and thermodynamic stability) performed at Invitae indicates that this missense variant is not expected to disrupt ALDH5A1 protein function. ClinVar contains an entry for this variant (Variation ID: 1035645). This variant has not been reported in the literature in individuals affected with ALDH5A1-related conditions. This variant is present in population databases (no rsID available, gnomAD 0.004%). This sequence change replaces methionine, which is neutral and non-polar, with isoleucine, which is neutral and non-polar, at codon 89 of the ALDH5A1 protein (p.Met89Ile).

NM_001080.3(ALDH5A1):c.267G>C (p.Met89Ile)

Genes: ALDH5A1 (aldehyde dehydrogenase 5 family member A1; plus strand), GPLD1 (glycosylphosphatidylinositol specific phospholipase D1; minus strand), LOC129995978 (ATAC-STARR-seq lymphoblastoid silent region 16989; plus strand). Cytogenetic location: 6p22.3.
Variant type: single nucleotide variant.
Coding change: c.267G>C on transcript NM_001080.3 (MANE Select); coding-DNA position 267, G replaced by C.
Protein change: p.Met89Ile; replaces methionine 89 with isoleucine.
Molecular consequence: missense variant.
Genome position (GRCh38, 1-based): chr6:24,495,263, G>C. VCF-style: chr6-24495263-G-C. GRCh37 (hg19) VCF-style: chr6-24495491-G-C.
Other names: c.267G>C, p.Met89Ile (NM_001368954.1, NM_170740.1); short protein forms M89I.
Identifiers: ClinVar variation 1035645 (VCV001035645.5), dbSNP rs964260186, ClinGen allele CA136122222.
Genomic context (GRCh38, chr6:24,495,263, plus strand): 5'-GCTCCCGGCCGCCGCCACCTTCCCCGTGCAAGACCCGGCCAGCGGCGCCGCTCTGGGCAT[G>C]GTAGCCGACTGCGGGGTGCGAGAGGCCCGCGCCGCCGTGCGCGCTGCCTACGAGGCTTTC-3'
Protein context (NP_001071.1, residues 79-99): QDPASGAALG[Met89Ile]VADCGVREAR